The following is an entry in ClinVar:

NM_000038.6(APC):c.4928G>T (p.Cys1643Phe)

Gene: APC (APC regulator of Wnt signaling pathway; plus strand). Cytogenetic location: 5q22.2.
Variant type: single nucleotide variant.
Coding change: c.4928G>T on transcript NM_000038.6 (MANE Select); coding-DNA position 4928, G replaced by T.
Protein change: p.Cys1643Phe; replaces cysteine 1643 with phenylalanine.
Molecular consequence: missense variant.
Genome position (GRCh38, 1-based): chr5:112,840,522, G>T. VCF-style: chr5-112840522-G-T. GRCh37 (hg19) VCF-style: chr5-112176219-G-T.
Other names: c.4928G>T, p.Cys1643Phe (NM_001127510.3, NM_001354895.2); c.4874G>T, p.Cys1625Phe (NM_001127511.3); c.4982G>T, p.Cys1661Phe (NM_001354896.2); c.4958G>T, p.Cys1653Phe (NM_001354897.2); c.4853G>T, p.Cys1618Phe (NM_001354898.2); c.4844G>T, p.Cys1615Phe (NM_001354899.2); c.4805G>T, p.Cys1602Phe (NM_001354900.2); c.4751G>T, p.Cys1584Phe (NM_001354901.2); and 5 more; short protein forms C1643F, C1625F, C1618F, C1661F, C1584F, C1615F, C1653F, C1602F.
Identifiers: ClinVar variation 469983 (VCV000469983.15), dbSNP rs748715887, ClinGen allele CA040240.

ClinVar aggregate classification (germline): Uncertain significance. Review status: criteria provided, multiple submitters, no conflicts (2 of 4 stars). 2 submissions from 2 submitters: Uncertain significance (2). Last evaluated 2024-09-22.

Conditions:
Familial adenomatous polyposis 1 (FAP1). Also called: POLYPOSIS, ADENOMATOUS INTESTINAL; FAMILIAL ADENOMATOUS POLYPOSIS 1, ATTENUATED. Identifiers: MedGen C2713442, MONDO:0021056, OMIM 175100. Disease mechanism: loss of function.
Hereditary cancer-predisposing syndrome. Also called: Hereditary neoplastic syndrome; Neoplastic Syndromes, Hereditary; Tumor predisposition; Hereditary Cancer Syndrome. Identifiers: Orphanet 140162, MedGen C0027672, MeSH D009386, MONDO:0015356.

Allele frequency attached by ClinVar (database versions not stated): gnomAD exomes below 0.00001; ExAC 0.00001.
gnomAD v4.1: 2 of 1,614,152 alleles (0.00012%); highest among the groups gnomAD compares: South Asian, 0.0011%; no homozygotes.

Submissions (2):

Labcorp Genetics (formerly Invitae), Labcorp
Classification: Uncertain significance for Familial adenomatous polyposis 1. Last evaluated: 2024-09-22. Review status: criteria provided, single submitter. Criteria: Invitae Variant Classification Sherloc (09022015). Collection method: clinical testing. Allele origin: germline.
Comment: This sequence change replaces cysteine, which is neutral and slightly polar, with phenylalanine, which is neutral and non-polar, at codon 1643 of the APC protein (p.Cys1643Phe). This variant is present in population databases (rs748715887, gnomAD 0.0009%). This variant has not been reported in the literature in individuals affected with APC-related conditions. ClinVar contains an entry for this variant (Variation ID: 469983). Invitae Evidence Modeling of protein sequence and biophysical properties (such as structural, functional, and spatial information, amino acid conservation, physicochemical variation, residue mobility, and thermodynamic stability) indicates that this missense variant is not expected to disrupt APC protein function with a negative predictive value of 95%. In summary, the available evidence is currently insufficient to determine the role of this variant in disease. Therefore, it has been classified as a Variant of Uncertain Significance.

Ambry Genetics
Classification: Uncertain significance for Hereditary cancer-predisposing syndrome. Last evaluated: 2024-06-19. Review status: criteria provided, single submitter. Criteria: Ambry Variant Classification Scheme 2023. Collection method: clinical testing. Allele origin: germline.
Comment: The p.C1643F variant (also known as c.4928G>T), located in coding exon 15 of the APC gene, results from a G to T substitution at nucleotide position 4928. The cysteine at codon 1643 is replaced by phenylalanine, an amino acid with highly dissimilar properties. This amino acid position is highly conserved in available vertebrate species. In addition, in silico predictors for this gene do not accurately predict pathogenicity. Missense alterations in APC are not a common cause of disease (Spier I et al. Genet Med. 2024 Feb;26(2):100992). Based on the available evidence, the clinical significance of this variant remains unclear.